The following is an entry in ClinVar:

NM_000492.4(CFTR):c.1584G>C (p.Glu528Asp)

Genes: CFTR (CF transmembrane conductance regulator; plus strand), CFTR-AS1 (CFTR antisense RNA 1; minus strand). Cytogenetic location: 7q31.2.
Variant type: single nucleotide variant.
Coding change: c.1584G>C on transcript NM_000492.4 (MANE Select); coding-DNA position 1584, G replaced by C.
Protein change: p.Glu528Asp; replaces glutamic acid 528 with aspartic acid.
Molecular consequence: missense variant.
Genome position (GRCh38, 1-based): chr7:117,559,655, G>C. VCF-style: chr7-117559655-G-C. GRCh37 (hg19) VCF-style: chr7-117199709-G-C.
Other names: short protein forms E528D.
Identifiers: ClinVar variation 2682301 (VCV002682301.1), dbSNP rs1800095, ClinGen allele CA368985063.

ClinVar aggregate classification (germline): Uncertain significance (1 of 4 stars; one submission).

Submission:

Women's Health and Genetics/Laboratory Corporation of America, LabCorp
Classification: Uncertain significance. Last evaluated: 2023-11-30. Review status: criteria provided, single submitter. Criteria: LabCorp Variant Classification Summary - May 2015. Collection method: clinical testing. Allele origin: germline.
Comment: Variant summary: CFTR c.1584G>C (p.Glu528Asp) results in a conservative amino acid change in the encoded protein sequence. Four of five in-silico tools predict a benign effect of the variant on protein function. In addition, this variant disrupts the last nucleotide of exon 11, and therefore can affect splicing. Several computational tools predict a significant impact on normal splicing: one predicts the variant abolishes a 5' splicing donor site and three predict the variant weakens a 5' donor site. However, these predictions have yet to be confirmed by functional studies. The variant was absent in 250582 control chromosomes (gnomAD). The available data on variant occurrences in the general population are insufficient to allow any conclusion about variant significance. c.1584G>C has been reported in the literature in association with idiopathic pancreatitis, however without strong evidence for causality (e.g., Kringel_2021). This report therefore does not provide unequivocal conclusions about association of the variant with Chronic Pancreatitis Risk. To our knowledge, no experimental evidence demonstrating an impact on protein function has been reported. The following publication was ascertained in the context of this evaluation (PMID: 33467215). No submitters have reported clinical-significance assessments for this variant to ClinVar after 2014. Based on the evidence outlined above, the variant was classified as uncertain significance.

Literature cited by the submitters: PubMed 33467215.